The following is an entry in ClinVar:

ClinVar aggregate classification (germline): Uncertain significance. Review status: criteria provided, multiple submitters, no conflicts (2 of 4 stars). 2 submissions from 2 submitters: Uncertain significance (2). Last evaluated 2023-12-18.

Conditions:
Hereditary cancer-predisposing syndrome. Also called: Neoplastic Syndromes, Hereditary; Hereditary neoplastic syndrome; Tumor predisposition; Hereditary Cancer Syndrome. Identifiers: Orphanet 140162, MedGen C0027672, MeSH D009386, MONDO:0015356.
Renal cell carcinoma. Identifiers: Orphanet 217071, MedGen C0007134, MeSH D002292, MONDO:0005086, HP:0005584.

Submissions (2):

Labcorp Genetics (formerly Invitae), Labcorp
Classification: Uncertain significance for Renal cell carcinoma. Last evaluated: 2023-12-18. Review status: criteria provided, single submitter. Criteria: Invitae Variant Classification Sherloc (09022015). Collection method: clinical testing. Allele origin: germline.
Comment: This sequence change replaces arginine, which is basic and polar, with leucine, which is neutral and non-polar, at codon 811 of the MET protein (p.Arg811Leu). This variant is not present in population databases (gnomAD no frequency). This variant has not been reported in the literature in individuals affected with MET-related conditions. ClinVar contains an entry for this variant (Variation ID: 524871). Advanced modeling of protein sequence and biophysical properties (such as structural, functional, and spatial information, amino acid conservation, physicochemical variation, residue mobility, and thermodynamic stability) performed at Invitae indicates that this missense variant is not expected to disrupt MET protein function with a negative predictive value of 80%. In summary, the available evidence is currently insufficient to determine the role of this variant in disease. Therefore, it has been classified as a Variant of Uncertain Significance.

Ambry Genetics
Classification: Uncertain significance for Hereditary cancer-predisposing syndrome. Last evaluated: 2023-11-28. Review status: criteria provided, single submitter. Criteria: Ambry Variant Classification Scheme 2023. Collection method: clinical testing. Allele origin: germline.
Comment: The p.R811L variant (also known as c.2432G>T), located in coding exon 10 of the MET gene, results from a G to T substitution at nucleotide position 2432. The arginine at codon 811 is replaced by leucine, an amino acid with dissimilar properties. This amino acid position is highly conserved in available vertebrate species. In addition, the in silico prediction for this alteration is inconclusive. Since supporting evidence is limited at this time, the clinical significance of this alteration remains unclear.

NM_000245.4(MET):c.2378G>T (p.Arg793Leu)

Gene: MET (MET proto-oncogene, receptor tyrosine kinase; plus strand). Cytogenetic location: 7q31.2.
Variant type: single nucleotide variant.
Coding change: c.2378G>T on transcript NM_000245.4 (MANE Select); coding-DNA position 2378, G replaced by T.
Protein change: p.Arg793Leu; replaces arginine 793 with leucine.
Molecular consequence: missense variant.
Genome position (GRCh38, 1-based): chr7:116,763,063, G>T. VCF-style: chr7-116763063-G-T. GRCh37 (hg19) VCF-style: chr7-116403117-G-T.
Other names: c.2432G>T, p.Arg811Leu (NM_001127500.3); c.2378G>T, p.Arg793Leu (NM_001324401.3); c.1088G>T, p.Arg363Leu (NM_001324402.2); short protein forms R811L, R363L, R793L.
Identifiers: ClinVar variation 524871 (VCV000524871.9), dbSNP rs199643166, ClinGen allele CA368982857.
Genomic context (GRCh38, chr7:116,763,063, plus strand): 5'-TGCCAAGCTGTATTCTGTTTACAGTGGATAATTGTGTCTTTCTCTAGGCATGTCAACATC[G>T]CTCTAATTCAGAGATAATCTGTTGTACCACTCCTTCCCTGCAACAGCTGAATCTGCAACT-3'
Protein context (NP_000236.2, residues 783-803): GRNFTVACQH[Arg793Leu]SNSEIICCTT